The following is an entry in ClinVar:

ClinVar aggregate classification (germline): Likely pathogenic (1 of 4 stars; one submission).

Conditions:
alpha Thalassemia. Also called: Alpha thalassemia spectrum. Identifiers: Orphanet 846, MedGen C0002312, MONDO:0011399, OMIM 604131.

Submission:

Natera, Inc.
Classification: Likely pathogenic for Alpha thalassemia. Last evaluated: 2025-10-24. Review status: criteria provided, single submitter. Criteria: Natera Variant Classification Schema (03/2026). Collection method: clinical testing. Allele origin: germline.
Comment: The c.158_301-45del variant in HBA1 is a frameshift variant predicted to shift the reading frame and introduce a stop codon. This variant is expected to result in nonsense mediated decay, truncation, or a dysfunctional protein product. This variant is rare in the general population with a frequency below the threshold expected for the associated phenotype(s). Given the available evidence, this variant is classified as Likely Pathogenic.

NM_000558.5(HBA1):c.158_301-45del

Genes: HBA1 (hemoglobin subunit alpha 1; plus strand), LOC106804613 (hemoglobin subunit alpha 1 recombination region; plus strand). Cytogenetic location: 16p13.3.
Variant type: Deletion.
Coding change: c.158_301-45del on transcript NM_000558.5 (MANE Select); coding-DNA position 158 through 45 bases into the intron before coding-DNA position 301, 248 bases deleted.
Molecular consequence: splice donor variant.
Genome position (GRCh38, 1-based): chr16:176,991-177,238, 248 bases deleted. GRCh37 (hg19): chr16:226,990-227,237.
Identifiers: ClinVar variation 4814378 (VCV004814378.1).